The following is an entry in ClinVar:

NM_017617.5(NOTCH1):c.4315_4318dup (p.Ile1440fs)

Gene: NOTCH1 (notch receptor 1; minus strand). Cytogenetic location: 9q34.3.
Variant type: Duplication.
Coding change: c.4315_4318dup on transcript NM_017617.5 (MANE Select); coding-DNA positions 4315 to 4318, 4 bases duplicated (GACA; older notation c.4315_4318dupGACA).
Protein change: p.Ile1440fs; shifts the reading frame from isoleucine 1440.
Molecular consequence: frameshift variant.
Genome position (GRCh38, 1-based): chr9:136,505,578-136,505,581, TGTC duplicated on the plus strand (GACA on the coding strand, the reverse complement: NOTCH1 is on the minus strand). VCF-style (leftmost placement, unchanged base first): chr9-136505577-A-ATGTC. GRCh37 (hg19) VCF-style: chr9-139400029-A-ATGTC.
Other names: short protein forms I1440fs.
Identifiers: ClinVar variation 2632882 (VCV002632882.1), dbSNP rs2540437588, ClinGen allele CA2695199440.

ClinVar aggregate classification (germline): Pathogenic (1 of 4 stars; one submission).

Conditions:
NOTCH1-related disorder. Also called: NOTCH1-related disorders; NOTCH1-related condition.

Submission:

PreventionGenetics, part of Exact Sciences
Classification: Pathogenic for NOTCH1-related condition. Last evaluated: 2023-05-05. Review status: criteria provided, single submitter. Criteria: ACMG Guidelines, 2015. Collection method: clinical testing. Allele origin: germline.
Comment: The NOTCH1 c.4315_4318dupGACA variant is predicted to result in a frameshift and premature protein termination (p.Ile1440Argfs*40). To our knowledge, this variant has not been reported in the literature or in a large population database, indicating this variant is rare. Frameshift variants in NOTCH1 are expected to be pathogenic. This variant is interpreted as pathogenic.